The following is an entry in ClinVar:

NM_001036.6(RYR3):c.3787A>G (p.Met1263Val)

Gene: RYR3 (ryanodine receptor 3; plus strand). Cytogenetic location: 15q14.
Variant type: single nucleotide variant.
Coding change: c.3787A>G on transcript NM_001036.6 (MANE Select); coding-DNA position 3787, A replaced by G.
Protein change: p.Met1263Val; replaces methionine 1263 with valine.
Molecular consequence: missense variant.
Genome position (GRCh38, 1-based): chr15:33,646,372, A>G. VCF-style: chr15-33646372-A-G. GRCh37 (hg19) VCF-style: chr15-33938573-A-G.
Other names: c.3787A>G, p.Met1263Val (NM_001243996.4); short protein forms M1263V.
Identifiers: ClinVar variation 3898493 (VCV003898493.7).

ClinVar aggregate classification (germline): Uncertain significance (1 of 4 stars; one submission).

Submission:

CeGaT Center for Human Genetics Tuebingen
Classification: Uncertain significance. Last evaluated: 2025-04-01. Review status: criteria provided, single submitter. Criteria: CeGaT Center For Human Genetics Tuebingen Variant Classification Criteria Version 2. Collection method: clinical testing. Allele origin: germline. Affected: yes. Observed: 1 variant allele.
Comment: RYR3: PM2, BP4